The following is an entry in ClinVar:

NM_015213.4(DENND5A):c.75C>T (p.Asp25=)

Genes: DENND5A (DENN domain containing 5A; minus strand), LOC130005268 (ATAC-STARR-seq lymphoblastoid silent region 3122; plus strand). Cytogenetic location: 11p15.4.
Variant type: single nucleotide variant.
Coding change: c.75C>T on transcript NM_015213.4 (MANE Select); coding-DNA position 75, C replaced by T.
Protein change: p.Asp25=; no amino-acid change (aspartic acid 25 retained).
Molecular consequence: synonymous variant. On other transcripts: 5 prime UTR variant (1), non-coding transcript variant (1).
Genome position (GRCh38, 1-based): chr11:9,264,995, G>A on the plus strand (C>T on the coding strand, the complement: DENND5A is on the minus strand). VCF-style: chr11-9264995-G-A. GRCh37 (hg19) VCF-style: chr11-9286542-G-A.
Other names: c.75C>T (NM_015213.3); c.75C>T, p.Asp25= (NM_001243254.2, NM_001348748.1, NM_001348749.2); c.-250C>T (NM_001348750.2).
Identifiers: ClinVar variation 1921459 (VCV001921459.7), dbSNP rs751933058, ClinGen allele CA5877926.

ClinVar aggregate classification (germline): Likely benign. Review status: criteria provided, single submitter (1 of 4 stars). 2 submissions from 2 submitters: Likely benign (1). 1 of the submissions does not count toward it. Last evaluated 2022-08-23.

Conditions:
DENND5A-related disorder. Also called: DENND5A-related condition.

Allele frequency attached by ClinVar (database versions not stated): TOPMed below 0.00001; gnomAD 0.00001; gnomAD exomes 0.00001; ExAC 0.00005.
gnomAD v4.1: 13 of 1,589,144 alleles (0.00082%); highest among the groups gnomAD compares: Middle Eastern, 0.018%; no homozygotes.

Submissions (2):

Labcorp Genetics (formerly Invitae), Labcorp
Classification: Likely benign. Last evaluated: 2022-08-23. Review status: criteria provided, single submitter. Criteria: Invitae Variant Classification Sherloc (09022015). Collection method: clinical testing. Allele origin: germline.

PreventionGenetics, part of Exact Sciences
Classification: Likely benign for DENND5A-related condition. Last evaluated: 2019-04-27. Review status: no assertion criteria provided. Collection method: clinical testing. Allele origin: germline. Not counted in ClinVar's aggregate classification.
Comment: This variant is classified as likely benign based on ACMG/AMP sequence variant interpretation guidelines (Richards et al. 2015 PMID: 25741868, with internal and published modifications).